The following is an entry in ClinVar:

NM_182931.3(KMT2E):c.712A>T (p.Ile238Phe)

Gene: KMT2E (lysine methyltransferase 2E (inactive); plus strand). Cytogenetic location: 7q22.3.
Variant type: single nucleotide variant.
Coding change: c.712A>T on transcript NM_182931.3 (MANE Select); coding-DNA position 712, A replaced by T.
Protein change: p.Ile238Phe; replaces isoleucine 238 with phenylalanine.
Molecular consequence: missense variant.
Genome position (GRCh38, 1-based): chr7:105,074,798, A>T. VCF-style: chr7-105074798-A-T. GRCh37 (hg19) VCF-style: chr7-104715245-A-T.
Other names: c.712A>T (NM_182931.2); c.712A>T, p.Ile238Phe (NM_001410908.1, NM_018682.4); short protein forms I238F.
Identifiers: ClinVar variation 2879765 (VCV002879765.4), dbSNP rs141204161, ClinGen allele CA4423779.

ClinVar aggregate classification (germline): Uncertain significance. Review status: criteria provided, multiple submitters, no conflicts (2 of 4 stars). 2 submissions from 2 submitters: Uncertain significance (2). Last evaluated 2025-08-18.

Conditions:
Inborn genetic diseases. Identifiers: MedGen C0950123, MeSH D030342.

Allele frequency attached by ClinVar (database versions not stated): gnomAD exomes 0.00002; gnomAD 0.00003; ExAC 0.00003; ESP Exome Variant Server 0.00031; TOPMed 0.00006.
gnomAD v4.1: 29 of 1,604,044 alleles (0.0018%); highest among the groups gnomAD compares: African/African-American, 0.012%; no homozygotes.

Submissions (2):

Labcorp Genetics (formerly Invitae), Labcorp
Classification: Uncertain significance. Last evaluated: 2025-08-18. Review status: criteria provided, single submitter. Criteria: Invitae Variant Classification Sherloc (09022015). Collection method: clinical testing. Allele origin: germline.
Comment: This sequence change replaces isoleucine, which is neutral and non-polar, with phenylalanine, which is neutral and non-polar, at codon 238 of the KMT2E protein (p.Ile238Phe). This variant is present in population databases (rs141204161, gnomAD 0.04%). This variant has not been reported in the literature in individuals affected with KMT2E-related conditions. ClinVar contains an entry for this variant (Variation ID: 2879765). Invitae Evidence Modeling of protein sequence and biophysical properties (such as structural, functional, and spatial information, amino acid conservation, physicochemical variation, residue mobility, and thermodynamic stability) indicates that this missense variant is not expected to disrupt KMT2E protein function with a negative predictive value of 80%. In summary, the available evidence is currently insufficient to determine the role of this variant in disease. Therefore, it has been classified as a Variant of Uncertain Significance.

Ambry Genetics
Classification: Uncertain significance for Inborn genetic diseases. Last evaluated: 2024-09-10. Review status: criteria provided, single submitter. Criteria: Ambry Variant Classification Scheme 2023. Collection method: clinical testing. Allele origin: germline.